The following is an entry in ClinVar:

NM_001080414.4(CCDC88C):c.5635C>T (p.Arg1879Trp)

Gene: CCDC88C (coiled-coil and HOOK domain protein 88C; minus strand). Cytogenetic location: 14q32.11.
Variant type: single nucleotide variant.
Coding change: c.5635C>T on transcript NM_001080414.4 (MANE Select); coding-DNA position 5635, C replaced by T.
Protein change: p.Arg1879Trp; replaces arginine 1879 with tryptophan.
Molecular consequence: missense variant.
Genome position (GRCh38, 1-based): chr14:91,273,077, G>A on the plus strand (C>T on the coding strand, the complement: CCDC88C is on the minus strand). VCF-style: chr14-91273077-G-A. GRCh37 (hg19) VCF-style: chr14-91739421-G-A.
Other names: short protein forms R1879W.
Identifiers: ClinVar variation 731841 (VCV000731841.11), dbSNP rs567110504, ClinGen allele CA7308621.

ClinVar aggregate classification (germline): Benign. Review status: criteria provided, multiple submitters, no conflicts (2 of 4 stars). 3 submissions from 3 submitters: Benign (2). 1 of the submissions does not count toward it. Last evaluated 2025-12-24.

Conditions:
CCDC88C-related disorder. Also called: CCDC88C-related condition; CCDC88C-Related Disorders.

Allele frequency attached by ClinVar (database versions not stated): gnomAD exomes 0.00011 and 0.00056; gnomAD 0.00014 and 0.00021; TOPMed 0.00021; ExAC 0.00101; 1000 Genomes Project 30x 0.00156; 1000 Genomes Project 0.00160.
gnomAD v4.1: 187 of 1,560,298 alleles (0.012%); highest among the groups gnomAD compares: East Asian, 0.35%; no homozygotes.

Submissions (3):

Labcorp Genetics (formerly Invitae), Labcorp
Classification: Benign. Last evaluated: 2025-12-24. Review status: criteria provided, single submitter. Criteria: Invitae Variant Classification Sherloc (09022015). Collection method: clinical testing. Allele origin: germline.

Breakthrough Genomics
Classification: Benign. Review status: criteria provided, single submitter. Criteria: ACMG Guidelines, 2015. Collection method: not provided. Allele origin: germline. Inheritance: Autosomal recessive inheritance. Affected: yes.

PreventionGenetics, part of Exact Sciences
Classification: Likely benign for CCDC88C-related condition. Last evaluated: 2020-03-09. Review status: no assertion criteria provided. Collection method: clinical testing. Allele origin: germline. Not counted in ClinVar's aggregate classification.
Comment: This variant is classified as likely benign based on ACMG/AMP sequence variant interpretation guidelines (Richards et al. 2015 PMID: 25741868, with internal and published modifications).